The following is an entry in ClinVar:

NM_130384.3(ATRIP):c.1625T>A (p.Leu542His)

Genes: ATRIP (ATR interacting protein; plus strand), ATRIP-TREX1 (ATRIP-TREX1 readthrough; plus strand). Cytogenetic location: 3p21.31.
Variant type: single nucleotide variant.
Coding change: c.1625T>A on transcript NM_130384.3 (MANE Select); coding-DNA position 1625, T replaced by A.
Protein change: p.Leu542His; replaces leucine 542 with histidine.
Molecular consequence: missense variant. On other transcripts: non-coding transcript variant (1).
Genome position (GRCh38, 1-based): chr3:48,460,679, T>A. VCF-style: chr3-48460679-T-A. GRCh37 (hg19) VCF-style: chr3-48502078-T-A.
Other names: c.1244T>A, p.Leu415His (NM_001271022.2); c.1346T>A, p.Leu449His (NM_001271023.2); c.1625T>A, p.Leu542His (NM_032166.4); short protein forms L542H, L449H, L415H.
Identifiers: ClinVar variation 4826278 (VCV004826278.1).

ClinVar aggregate classification (germline): Uncertain significance (1 of 4 stars; one submission).

gnomAD v4.1: 1 of 1,614,164 alleles (0.000062%); no homozygotes.

Submission:

Ambry Genetics
Classification: Uncertain significance. Last evaluated: 2026-03-08. Review status: criteria provided, single submitter. Criteria: Ambry Variant Classification Scheme 2023. Collection method: clinical testing. Allele origin: germline.
Comment: The p.L542H variant (also known as c.1625T>A), located in coding exon 8 of the ATRIP gene, results from a T to A substitution at nucleotide position 1625. The leucine at codon 542 is replaced by histidine, an amino acid with similar properties. This amino acid position is conserved. In addition, this alteration is predicted to be deleterious by in silico analysis. Based on the available evidence, the clinical significance of this variant remains unclear.